The following is an entry in ClinVar:

NM_000530.8(MPZ):c.-49C>A

Gene: MPZ (myelin protein zero; minus strand). Cytogenetic location: 1q23.3.
Variant type: single nucleotide variant.
Coding change: c.-49C>A on transcript NM_000530.8 (MANE Select); 49 bases upstream of the start codon, C replaced by A.
Molecular consequence: 5 prime UTR variant.
Genome position (GRCh38, 1-based): chr1:161,309,954, G>T on the plus strand (C>A on the coding strand, the complement: MPZ is on the minus strand). VCF-style: chr1-161309954-G-T. GRCh37 (hg19) VCF-style: chr1-161279744-G-T.
Other names: c.-49C>A (LRG_256t1, NM_001315491.2).
Identifiers: ClinVar variation 293315 (VCV000293315.8), dbSNP rs750777955, ClinGen allele CA1210268.

ClinVar aggregate classification (germline): Conflicting classifications of pathogenicity. Review status: criteria provided, conflicting classifications (1 of 4 stars). 5 submissions from 2 submitters: Uncertain significance (2); Benign (2); Likely benign (1). Last evaluated 2024-03-15.

Conditions:
Charcot-Marie-Tooth disease type 1B. Also called: CHARCOT-MARIE-TOOTH DISEASE, AUTOSOMAL DOMINANT, WITH FOCALLY FOLDED MYELIN SHEATHS, TYPE 1B; CHARCOT-MARIE-TOOTH DISEASE, SLOW NERVE CONDUCTION TYPE, LINKED TO DUFFY; CHARCOT-MARIE-TOOTH NEUROPATHY, TYPE 1B; HEREDITARY MOTOR AND SENSORY NEUROPATHY I; HEREDITARY MOTOR AND SENSORY NEUROPATHY IB; PERONEAL MUSCULAR ATROPHY. Identifiers: Orphanet 101082, MedGen C0270912, MONDO:0007307, OMIM 118200.
Roussy-Lévy syndrome. Also called: Roussy-Levy Syndrome; Roussy Levy hereditary areflexic dystasia; Roussy-Levy disease; Hereditary areflexic dystasia. Identifiers: Orphanet 3115, MedGen C0205713, MONDO:0008392, OMIM 180800.
Neuropathy, congenital hypomyelinating, 2. Identifiers: MedGen C4722277, MONDO:0020765, OMIM 618184.
Charcot-Marie-Tooth disease dominant intermediate D. Also called: CHARCOT-MARIE-TOOTH NEUROPATHY, DOMINANT INTERMEDIATE D; Charcot-Marie-Tooth disease dominant intermediate 3; CMT DI3. Identifiers: Orphanet 100046, MedGen C1843075, MONDO:0011909, OMIM 607791.

Allele frequency attached by ClinVar (database versions not stated): gnomAD exomes below 0.00001; TOPMed below 0.00001; ExAC 0.00007.
gnomAD v4.1: 1 of 1,426,074 alleles (0.00007%); highest among the groups gnomAD compares: Non-Finnish European, 0.000097%; no homozygotes.

Submissions (5):

Women's Health and Genetics/Laboratory Corporation of America, LabCorp
Classification: Uncertain significance. Last evaluated: 2024-03-15. Review status: criteria provided, single submitter. Criteria: LabCorp Variant Classification Summary - May 2015. Collection method: clinical testing. Allele origin: germline.
Comment: Variant summary: MPZ c.-49C>A is located in the untranslated mRNA region upstream of the initiation codon. The frequency data for this variant in gnomAD is considered unreliable, as metrics indicate poor data quality at this position. To our knowledge, no occurrence of c.-49C>A in individuals affected with MPZ-Related Disorders and no experimental evidence demonstrating its impact on protein function have been reported. ClinVar contains an entry for this variant (Variation ID: 293315). Based on the evidence outlined above, the variant was classified as uncertain significance.

Illumina Laboratory Services, Illumina
Classification: Likely benign for Charcot-Marie-Tooth disease type 1B. Last evaluated: 2018-01-12. Review status: criteria provided, single submitter. Criteria: ICSL Variant Classification Criteria 13 December 2019. Collection method: clinical testing. Allele origin: germline.
Comment: This variant was observed in the ICSL laboratory as part of a predisposition screen in an ostensibly healthy population. It had not been previously curated by ICSL or reported in the Human Gene Mutation Database (HGMD: prior to June 1st, 2018), and was therefore a candidate for classification through an automated scoring system. Utilizing variant allele frequency, disease prevalence and penetrance estimates, and inheritance mode, an automated score was calculated to assess if this variant is too frequent to cause the disease. Based on the score and internal cut-off values, a variant classified as likely benign is not then subjected to further curation. The score for this variant resulted in a classification of likely benign for this disease.

Illumina Laboratory Services, Illumina
Classification: Uncertain significance for Neuropathy, congenital hypomyelinating, 2. Last evaluated: 2018-01-12. Review status: criteria provided, single submitter. Criteria: ICSL Variant Classification Criteria 13 December 2019. Collection method: clinical testing. Allele origin: germline.

Illumina Laboratory Services, Illumina
Classification: Benign for Charcot-Marie-Tooth disease dominant intermediate D. Last evaluated: 2018-01-12. Review status: criteria provided, single submitter. Criteria: ICSL Variant Classification Criteria 13 December 2019. Collection method: clinical testing. Allele origin: germline.
Comment: This variant was observed in the ICSL laboratory as part of a predisposition screen in an ostensibly healthy population. It had not been previously curated by ICSL or reported in the Human Gene Mutation Database (HGMD: prior to June 1st, 2018), and was therefore a candidate for classification through an automated scoring system. Utilizing variant allele frequency, disease prevalence and penetrance estimates, and inheritance mode, an automated score was calculated to assess if this variant is too frequent to cause the disease. Based on the score and internal cut-off values, a variant classified as benign is not then subjected to further curation. The score for this variant resulted in a classification of benign for this disease.

Illumina Laboratory Services, Illumina
Classification: Benign for Roussy-Lévy syndrome. Last evaluated: 2018-01-12. Review status: criteria provided, single submitter. Criteria: ICSL Variant Classification Criteria 13 December 2019. Collection method: clinical testing. Allele origin: germline.
Comment: the same text as in the submission from Illumina Laboratory Services, Illumina above.